The following is an entry in ClinVar:

NM_000553.6(WRN):c.2671T>C (p.Tyr891His)

Gene: WRN (WRN RecQ like helicase; plus strand). Cytogenetic location: 8p12.
Variant type: single nucleotide variant.
Coding change: c.2671T>C on transcript NM_000553.6 (MANE Select); coding-DNA position 2671, T replaced by C.
Protein change: p.Tyr891His; replaces tyrosine 891 with histidine.
Molecular consequence: missense variant.
Genome position (GRCh38, 1-based): chr8:31,124,562, T>C. VCF-style: chr8-31124562-T-C. GRCh37 (hg19) VCF-style: chr8-30982078-T-C.
Other names: short protein forms Y891H.
Identifiers: ClinVar variation 1058398 (VCV001058398.4), dbSNP rs377553274, ClinGen allele CA4704815.
Genomic context (GRCh38, chr8:31,124,562, plus strand): 5'-GTGATGTTTTTAATCGACAGGCACCTTCTTACTGAGATACGTAATGAGAAGTTTCGATTA[T>C]ACAAATTAAAGATGATGGCAAAGATGGAAAAATATCTTCATTCTAGCAGATGTAGGAGAC-3'
Protein context (NP_000544.2, residues 881-901): TEIRNEKFRL[Tyr891His]KLKMMAKMEK

ClinVar aggregate classification (germline): Uncertain significance (1 of 4 stars; one submission).

Conditions:
Werner syndrome (WRN). Identifiers: Orphanet 902, MedGen C0043119, MONDO:0010196, OMIM 277700.

Allele frequency attached by ClinVar (database versions not stated): gnomAD exomes below 0.00001 and 0.00001; ExAC 0.00001; ESP Exome Variant Server 0.00008.
gnomAD v4.1: 9 of 1,613,002 alleles (0.00056%); highest among the groups gnomAD compares: Non-Finnish European, 0.00076%; no homozygotes.

Submission:

Labcorp Genetics (formerly Invitae), Labcorp
Classification: Uncertain significance for Werner syndrome. Last evaluated: 2023-07-25. Review status: criteria provided, single submitter. Criteria: Invitae Variant Classification Sherloc (09022015). Collection method: clinical testing. Allele origin: germline.
Comment: This sequence change replaces tyrosine, which is neutral and polar, with histidine, which is basic and polar, at codon 891 of the WRN protein (p.Tyr891His). ClinVar contains an entry for this variant (Variation ID: 1058398). This variant has not been reported in the literature in individuals affected with WRN-related conditions. This variant is present in population databases (rs377553274, gnomAD 0.0009%). Algorithms developed to predict the effect of missense changes on protein structure and function output the following: SIFT: "Not Available"; PolyPhen-2: "Benign"; Align-GVGD: "Not Available". The histidine amino acid residue is found in multiple mammalian species, which suggests that this missense change does not adversely affect protein function. In summary, the available evidence is currently insufficient to determine the role of this variant in disease. Therefore, it has been classified as a Variant of Uncertain Significance.